The following is an entry in ClinVar:

ClinVar aggregate classification (germline): Uncertain significance (1 of 4 stars; one submission).

Submission:

Dasa
Classification: Uncertain significance. Last evaluated: 2024-11-21. Review status: criteria provided, single submitter. Criteria: DASA Assertion Criteria. Collection method: clinical testing. Allele origin: germline.
Comment: NM_004656.4(BAP1):c.30C>G (p.Ser10Arg) is a missense variant that results in the substitution of serine with arginine. This variant is absent from population databases. The currently available literature and clinical evidence are not sufficient to establish a definitive association between this variant and the reported condition. Therefore, this variant is classified as a variant of uncertain significance.

NM_004656.4(BAP1):c.30C>G (p.Ser10Arg)

Gene: BAP1 (BRCA1 associated deubiquitinase 1; minus strand). Cytogenetic location: 3p21.1.
Variant type: single nucleotide variant.
Coding change: c.30C>G on transcript NM_004656.4 (MANE Select); coding-DNA position 30, C replaced by G.
Protein change: p.Ser10Arg; replaces serine 10 with arginine.
Molecular consequence: missense variant.
Genome position (GRCh38, 1-based): chr3:52,409,849, G>C on the plus strand (C>G on the coding strand, the complement: BAP1 is on the minus strand). VCF-style: chr3-52409849-G-C. GRCh37 (hg19) VCF-style: chr3-52443865-G-C.
Other names: c.30C>G, p.Ser10Arg (NM_001410772.1); short protein forms S10R.
Identifiers: ClinVar variation 5021040 (VCV005021040.1).
Genomic context (GRCh38, chr3:52,409,849, plus strand): 5'-TCCCGGGCCCATCCGGCCTCCCCAGCCCCTGGCCCTCCCGGTCCCCTCCTCACCTGGGTC[G>C]CTCTCCAGCTCCAGCCAGCCCTTATTCATCTTCCCGCGGGGCGGCCCCTCAGCGCCATGT-3'
Protein context (NP_004647.1, residues 1-20): MNKGWLELE[Ser10Arg]DPGLFTLLVE